The following is an entry in ClinVar:

NM_017573.5(PCSK4):c.1946G>T (p.Cys649Phe)

Gene: PCSK4 (proprotein convertase subtilisin/kexin type 4; minus strand). Cytogenetic location: 19p13.3.
Variant type: single nucleotide variant.
Coding change: c.1946G>T on transcript NM_017573.5 (MANE Select); coding-DNA position 1946, G replaced by T.
Protein change: p.Cys649Phe; replaces cysteine 649 with phenylalanine.
Molecular consequence: missense variant. On other transcripts: 3 prime UTR variant (1).
Genome position (GRCh38, 1-based): chr19:1,482,081, C>A on the plus strand (G>T on the coding strand, the complement: PCSK4 is on the minus strand). VCF-style: chr19-1482081-C-A. GRCh37 (hg19) VCF-style: chr19-1482080-C-A.
Other names: c.*120G>T (NM_001395257.1); short protein forms C649F.
Identifiers: ClinVar variation 2648935 (VCV002648935.24), dbSNP rs78359732, ClinGen allele CA9046494.

ClinVar aggregate classification (germline): Benign (1 of 4 stars; one submission).

Allele frequency attached by ClinVar (database versions not stated): 1000 Genomes Project 30x 0.00187; 1000 Genomes Project 0.00200; ExAC 0.00473; gnomAD 0.00547; TOPMed 0.00547; ESP Exome Variant Server 0.00599.
gnomAD v4.1: 14,692 of 1,552,464 alleles (0.95%); highest among the groups gnomAD compares: Non-Finnish European, 1.2%; 87 homozygotes.

Submission:

CeGaT Center for Human Genetics Tuebingen
Classification: Benign. Last evaluated: 2022-05-01. Review status: criteria provided, single submitter. Criteria: CeGaT Center For Human Genetics Tuebingen Variant Classification Criteria Version 2. Collection method: clinical testing. Allele origin: germline. Affected: yes. Observed: 1 variant allele.
Comment: PCSK4: BS1, BS2